The following is an entry in ClinVar:

ClinVar aggregate classification (germline): Uncertain significance (1 of 4 stars; one submission).

Conditions:
Inborn genetic diseases. Identifiers: MedGen C0950123, MeSH D030342.

Submission:

Ambry Genetics
Classification: Uncertain significance for Inborn genetic diseases. Last evaluated: 2024-12-19. Review status: criteria provided, single submitter. Criteria: Ambry Variant Classification Scheme 2023. Collection method: clinical testing. Allele origin: germline.
Comment: The p.H98Y variant (also known as c.292C>T), located in coding exon 2 of the G6PC3 gene, results from a C to T substitution at nucleotide position 292. The histidine at codon 98 is replaced by tyrosine, an amino acid with similar properties. This amino acid position is conserved. In addition, this alteration is predicted to be tolerated by in silico analysis. Based on the available evidence, the clinical significance of this variant remains unclear.

NM_138387.4(G6PC3):c.292C>T (p.His98Tyr)

Gene: G6PC3 (glucose-6-phosphatase catalytic subunit 3; plus strand). Cytogenetic location: 17q21.31.
Variant type: single nucleotide variant.
Coding change: c.292C>T on transcript NM_138387.4 (MANE Select); coding-DNA position 292, C replaced by T.
Protein change: p.His98Tyr; replaces histidine 98 with tyrosine.
Molecular consequence: missense variant. On other transcripts: 5 prime UTR variant (4).
Genome position (GRCh38, 1-based): chr17:44,074,233, C>T. VCF-style: chr17-44074233-C-T. GRCh37 (hg19) VCF-style: chr17-42151601-C-T.
Other names: c.292C>T, p.His98Tyr (NM_001319945.2); c.-54C>T (NM_001384165.1, NM_001384166.1, NM_001384167.1 and 1 more transcripts); short protein forms H98Y.
Identifiers: ClinVar variation 3852329 (VCV003852329.1).
Genomic context (GRCh38, chr17:44,074,233, plus strand): 5'-GACAGGCCCTTTTGGTGGGTCCATGAGTCTGGTTACTACAGCCAGGCTCCAGCCCAGGTT[C>T]ACCAGTTCCCCTCTTCTTGTGAGACTGGTCCAGGTGGGAAGCCTCAAACATTCTCCCTTT-3'
Protein context (NP_612396.1, residues 88-108): GYYSQAPAQV[His98Tyr]QFPSSCETGP